The following is an entry in ClinVar:

NM_152381.6(XIRP2):c.7086G>T (p.Met2362Ile)

Gene: XIRP2 (xin actin binding repeat containing 2; plus strand). Cytogenetic location: 2q24.3.
Variant type: single nucleotide variant.
Coding change: c.7086G>T on transcript NM_152381.6 (MANE Select); coding-DNA position 7086, G replaced by T.
Protein change: p.Met2362Ile; replaces methionine 2362 with isoleucine.
Molecular consequence: missense variant. On other transcripts: intron variant (3).
Genome position (GRCh38, 1-based): chr2:167,248,478, G>T. VCF-style: chr2-167248478-G-T. GRCh37 (hg19) VCF-style: chr2-168104988-G-T.
Other names: c.6420G>T, p.Met2140Ile (NM_001199144.2); c.1276-5554G>T (NM_001199143.2); c.1177-5554G>T (NM_001079810.4); c.511-5554G>T (NM_001199145.2); short protein forms M2140I, M2362I.
Identifiers: ClinVar variation 3056187 (VCV003056187.2), dbSNP rs59889092, ClinGen allele CA1947547.
Genomic context (GRCh38, chr2:167,248,478, plus strand): 5'-AGGCCTCCCTCTTCCTCCACCTCCAGTAGATGAGAAATCTGAAAGAGAAAGTTCATCGAT[G>T]TTTCTGCCGCCTCCTCCTCCTCCAACTCCATCTCAAAAGCCAGCACATCTCCTTTCCTCC-3'
Protein context (NP_689594.4, residues 2352-2372): DEKSERESSS[Met2362Ile]FLPPPPPPTP

ClinVar aggregate classification (germline): Benign (0 of 4 stars; one submission).

Conditions:
XIRP2-related disorder. Also called: XIRP2-related condition.

Allele frequency attached by ClinVar (database versions not stated): ExAC 0.12563; ESP Exome Variant Server 0.14548; TOPMed 0.15564; 1000 Genomes Project 30x 0.17224; 1000 Genomes Project 0.17272.
gnomAD v4.1: 178,587 of 1,613,412 alleles (11%); highest among the groups gnomAD compares: African/African-American, 27%; 11,426 homozygotes.

Submission:

PreventionGenetics, part of Exact Sciences
Classification: Benign for XIRP2-related condition. Last evaluated: 2019-11-06. Review status: no assertion criteria provided. Collection method: clinical testing. Allele origin: germline.
Comment: This variant is classified as benign based on ACMG/AMP sequence variant interpretation guidelines (Richards et al. 2015 PMID: 25741868, with internal and published modifications).